The following is an entry in ClinVar:

NM_016148.5(SHANK1):c.5952G>C (p.Gln1984His)

Gene: SHANK1 (SH3 and multiple ankyrin repeat domains 1; minus strand). Cytogenetic location: 19q13.33.
Variant type: single nucleotide variant.
Coding change: c.5952G>C on transcript NM_016148.5 (MANE Select); coding-DNA position 5952, G replaced by C.
Protein change: p.Gln1984His; replaces glutamine 1984 with histidine.
Molecular consequence: missense variant.
Genome position (GRCh38, 1-based): chr19:50,662,499, C>G on the plus strand (G>C on the coding strand, the complement: SHANK1 is on the minus strand). VCF-style: chr19-50662499-C-G. GRCh37 (hg19) VCF-style: chr19-51165756-C-G.
Other names: short protein forms Q1984H.
Identifiers: ClinVar variation 2575850 (VCV002575850.1), dbSNP rs760903790, ClinGen allele CA407000143.
Genomic context (GRCh38, chr19:50,662,499, plus strand): 5'-CAGCAGCGAGGGGCTGGGGGCCCGGCGGAGCAGAGGGGGCCGCATCTCGAACTCCACGCC[C>G]TGGAGGTGGCGGGTGGACGTGGAGGAGGAGGAGGCTGAGGGTGAGGTGGCCCCTGGGGCC-3'
Protein context (NP_057232.2, residues 1974-1994): SSSSTSTRHL[Gln1984His]GVEFEMRPPL

ClinVar aggregate classification (germline): Uncertain significance (1 of 4 stars; one submission).

Submission:

GeneDx
Classification: Uncertain significance. Last evaluated: 2023-02-11. Review status: criteria provided, single submitter. Criteria: GeneDx Variant Classification Process June 2021. Collection method: clinical testing. Allele origin: germline. Affected: yes.
Comment: Not observed at significant frequency in large population cohorts (gnomAD); In silico analysis supports that this missense variant does not alter protein structure/function; Has not been previously published as pathogenic or benign to our knowledge